The following is an entry in ClinVar:

ClinVar aggregate classification (germline): Uncertain significance (0 of 4 stars; one submission).

Conditions:
von Willebrand disease type 3 (VWD3). Also called: Type 3 Von Willebrand's disease; Type 3 VWD; Von Willebrand disease, severe form; V WD3; VON WILLEBRAND DISEASE, TYPE III. Identifiers: Orphanet 166096, MedGen C1264041, MONDO:0010191, OMIM 277480.

Submission:

Angelo Bianchi Bonomi Hemophilia and Thrombosis Center, Fondazione IRCCS Ca Granda Ospedale Maggiore Policlinico
Classification: Uncertain significance for von Willebrand disease type 3. Last evaluated: 2020-11-01. Review status: no assertion criteria provided. Collection method: clinical testing. Allele origin: germline. Affected: yes. Study: Type 3 Von Willebrand International Registries Inhibitor Prospective Study (3WINTERS-IPS).
Comment: ClinGen Pathogenicity Calculator

NM_000552.5(VWF):c.8155+3G>A

Gene: VWF (von Willebrand factor; minus strand). Cytogenetic location: 12p13.31.
Variant type: single nucleotide variant.
Coding change: c.8155+3G>A on transcript NM_000552.5 (MANE Select); 3 bases into the intron after coding-DNA position 8155, G replaced by A.
Molecular consequence: intron variant.
Genome position (GRCh38, 1-based): chr12:5,951,841, C>T on the plus strand (G>A on the coding strand, the complement: VWF is on the minus strand). VCF-style: chr12-5951841-C-T. GRCh37 (hg19) VCF-style: chr12-6061007-C-T.
Identifiers: ClinVar variation 1065224 (VCV001065224.3), dbSNP rs61751304, ClinGen allele CA1139532652.